The following is an entry in ClinVar:

ClinVar aggregate classification (germline): Uncertain significance (1 of 4 stars; one submission).

Conditions:
Hereditary cancer-predisposing syndrome. Also called: Neoplastic Syndromes, Hereditary; Hereditary Cancer Syndrome; Hereditary neoplastic syndrome; Tumor predisposition. Identifiers: Orphanet 140162, MedGen C0027672, MeSH D009386, MONDO:0015356.

Submissions (2):

Ambry Genetics
Classification: Uncertain significance for Hereditary cancer-predisposing syndrome. Last evaluated: 2023-07-17. Review status: criteria provided, single submitter. Criteria: Ambry Variant Classification Scheme 2023. Collection method: clinical testing. Allele origin: germline.
Comment: The p.D84N variant (also known as c.250G>A), located in coding exon 2 of the FANCC gene, results from a G to A substitution at nucleotide position 250. The aspartic acid at codon 84 is replaced by asparagine, an amino acid with highly similar properties. However, this change occurs in the last base pair of coding exon 2, which makes it likely to have some effect on normal mRNA splicing. This nucleotide position is highly conserved in available vertebrate species. This amino acid position is also well conserved in available vertebrate species. In silico splice site analysis predicts that this alteration will weaken the native splice donor site. RNA studies have demonstrated that this alteration results in an incomplete splice defect; the clinical impact of this abnormal splicing is unknown at this time (Ambry internal data). In addition, as a missense substitution, this alteration is predicted to be tolerated by in silico analysis. Since supporting evidence is limited at this time, the clinical significance of this alteration remains unclear.

Dr. Peter K. Rogan Lab, Western University
No classification provided (evidence only). Condition: Glioma susceptibility 1. Review status: no classification provided. Collection method: in vitro. Allele origin: not applicable. Functional consequence: retained intron. Not counted in ClinVar's aggregate classification.

NM_000136.3(FANCC):c.250G>A (p.Asp84Asn)

Gene: FANCC (FA complementation group C; minus strand). Cytogenetic location: 9q22.32.
Variant type: single nucleotide variant.
Coding change: c.250G>A on transcript NM_000136.3 (MANE Select); coding-DNA position 250, G replaced by A.
Protein change: p.Asp84Asn; replaces aspartic acid 84 with asparagine.
Molecular consequence: missense variant.
Genome position (GRCh38, 1-based): chr9:95,247,432, C>T on the plus strand (G>A on the coding strand, the complement: FANCC is on the minus strand). VCF-style: chr9-95247432-C-T. GRCh37 (hg19) VCF-style: chr9-98009714-C-T.
Other names: NC_000009.11:g.98009714C>T; c.250G>A, p.Asp84Asn (NM_001243743.2, NM_001243744.2); short protein forms D84N.
Identifiers: ClinVar variation 2565539 (VCV002565539.4), dbSNP rs2542842452, ClinGen allele CA374339987.